The following is an entry in ClinVar:

ClinVar aggregate classification (germline): Uncertain significance (1 of 4 stars; one submission).

Submission:

Women's Health and Genetics/Laboratory Corporation of America, LabCorp
Classification: Uncertain significance. Last evaluated: 2025-07-21. Review status: criteria provided, single submitter. Criteria: LabCorp Variant Classification Summary - May 2015. Collection method: clinical testing. Allele origin: germline.
Comment: Variant summary: SELENON c.183G>A (p.Gln61Gln) alters a conserved nucleotide located close to a canonical splice site and therefore could affect mRNA splicing, leading to a significantly altered protein sequence. Several computational tools predict a significant impact on normal splicing: Three predict the variant abolishes a canonical 5' splicing donor site. However, these predictions have yet to be confirmed by functional studies. The variant was absent in 29414 control chromosomes. The available data on variant occurrences in the general population are insufficient to allow any conclusion about variant significance. To our knowledge, no occurrence of c.183G>A in individuals affected with Eichsfeld Type Congenital Muscular Dystrophy and no experimental evidence demonstrating its impact on protein function have been reported. No submitters have cited clinical-significance assessments for this variant to ClinVar. Based on the evidence outlined above, the variant was classified as uncertain significance.

NM_206926.2(SELENON):c.183G>A (p.Gln61=)

Gene: SELENON (selenoprotein N; plus strand). Cytogenetic location: 1p36.11.
Variant type: single nucleotide variant.
Coding change: c.183G>A on transcript NM_206926.2 (MANE Select); coding-DNA position 183, G replaced by A.
Protein change: p.Gln61=; no amino-acid change (glutamine 61 retained).
Molecular consequence: synonymous variant.
Genome position (GRCh38, 1-based): chr1:25,800,413, G>A. VCF-style: chr1-25800413-G-A. GRCh37 (hg19) VCF-style: chr1-26126904-G-A.
Other names: c.183G>A, p.Gln61= (NM_020451.3).
Identifiers: ClinVar variation 4525754 (VCV004525754.1).